The following is an entry in ClinVar:

ClinVar aggregate classification (germline): Pathogenic. Review status: reviewed by expert panel (3 of 4 stars). 13 submissions from 13 submitters: Pathogenic (1). 12 of the submissions do not count toward it. Last evaluated 2026-04-08.

Conditions:
HBA2-related disorders.
HBA2-related disorder. Also called: HBA2-related condition.
HBA2-related alpha thalassemia spectrum. Identifiers: MedGen CN377749, MONDO:0100562.
Erythrocytosis, familial, 7. Also called: ERYTHROCYTOSIS, ALPHA-GLOBIN TYPE; POLYCYTHEMIA, ALPHA-GLOBIN TYPE; ERYTHROCYTOSIS 7. Identifiers: MedGen C4693823, MONDO:0054802, OMIM 617981.
Heinz body anemia. Also called: Heinz body hemolytic anemia. Identifiers: Orphanet 178330, MedGen C0700299, MONDO:0007705, OMIM 140700, HP:0005511.
Hemoglobin H disease (HBH). Also called: Hemoglobin H (HbH) Disease; ALPHA-THALASSEMIA, HEMOGLOBIN H TYPE; HEMOGLOBIN H DISEASE, DELETIONAL. Identifiers: Orphanet 93616, MedGen C3161174, MONDO:0013512, OMIM 613978. Disease mechanism: loss of function.
alpha Thalassemia. Also called: Alpha thalassemia spectrum. Identifiers: Orphanet 846, MedGen C0002312, MONDO:0011399, OMIM 604131.

Submissions 1 to 9 of 13:

ClinGen Hemoglobinopathy Variant Curation Expert Panel, ClinGen
Classification: Pathogenic for HBA2-related alpha thalassemia spectrum. Last evaluated: 2026-04-08. Review status: reviewed by expert panel. Criteria: ClinGen Hb Opathy ACMG Specifications HBA2 V1.0.0. Collection method: curation. Allele origin: germline. Inheritance: Autosomal recessive inheritance.
Comment: The variant c.95+2_95+6del is a splice donor variant (SO:0001575). It abolishes the authentic splice donor site in intron 1 and activates an alternative splice site within exon 1, leading to a frameshift in the protein coding sequence [PVS1;PMID: 7151175]. The computational predictor SpliceAI supports an impact on splicing. This variant has been reported to segregate with alpha thalassemia in 5 affected family members from 2 families, with a LOD score of 3.1 [PP1_S; PMID: 21410534; PMID: 7701914]. It has also been reported in 8 unrelated heterozygous individuals with a hematological phenotype consistent with alpha thalassemia trait (reduced MCV and MCH with normal or increased RBC count), giving a total score of 1.6 [PS4_M; PMID:756078; Department of Medical Genetics, National and Kapodistrian University of Athens]. In summary, this variant meets the criteria to be classified as pathogenic for autosomal recessive HBA2-related alpha thalassemia spectrum (MONDO:0100562) based on the ACMG/AMP criteria applied, as specified by the ClinGen Hemoglobinopathy VCEP (specification version 1.0.0): PVS1, PP1_S, PS4_M.

PreventionGenetics, part of Exact Sciences
Classification: Pathogenic for HBA2-related condition. Last evaluated: 2026-06-10. Review status: criteria provided, single submitter. Criteria: ACMG Guidelines, 2015. Collection method: clinical testing. Allele origin: germline. Not counted in ClinVar's aggregate classification.
Comment: The HBA2 c.95+2_95+6del5 variant is predicted to result in a deletion affecting a canonical splice site. The c.95+2_95+6del variant, also referred to as αHpHI, in the HBA2 gene is predicted to disrupt splicing based on available splicing prediction programs. The c.95+2_95+6del variant has been interpreted as pathogenic in ClinVar and is the second most prevalent HBA2 variant in Eastern Saudi Arabia (Borgio et al. 2018. PubMed ID: 29138844; Origa et al. 1993. PubMed ID: 20301608; Orkin et al. 1981. PubMed ID: 6946451). This variant is reported in 0.082% of alleles in individuals of Latino descent in gnomAD. This variant is interpreted as pathogenic.

Natera, Inc.
Classification: Pathogenic for Alpha thalassemia. Last evaluated: 2025-08-19. Review status: criteria provided, single submitter. Criteria: Natera Variant Classification Schema (03/2026). Collection method: clinical testing. Allele origin: germline. Not counted in ClinVar's aggregate classification.
Comment: The c.95+2_95+6delTGAGG variant in HBA2 is a canonical splice donor site variant predicted to affect pre-mRNA splicing, which may result in an abnormal transcript and altered protein product. This variant is expected to result in nonsense mediated decay, truncation, or a dysfunctional protein product. This variant is rare in the general population with a frequency below the threshold expected for the associated phenotype(s). This variant has been observed in one or more individuals affected with the associated recessive disease, as either homozygous or compound heterozygous with a second variant (PMID: 27339814, 27199182, 22324317, 31304855, 27690152, 31755088). Given the available evidence, this variant is classified as Pathogenic.

ARUP Laboratories, Molecular Genetics and Genomics, ARUP Laboratories
Classification: Pathogenic. Last evaluated: 2025-07-31. Review status: criteria provided, single submitter. Criteria: ARUP Molecular Germline Variant Investigation Process 2024. Collection method: clinical testing. Allele origin: germline. Not counted in ClinVar's aggregate classification.
Comment: The HBA2 c.95+2_95+6del variant (rs41474145, HbVar ID: 1065, also known as alpha-thal-2 (-5nt) and IVS1 (-5nt)) is a common pathogenic alpha thalassemia variant and has been reported in heterozygous individuals with mild hypochromic microcytic anemia or silent carriers and in compound heterozygous individuals with alpha-thalassemia trait (Alhuthali 2023, Lacerra 2004, Orkin 1981, see HbVar link). This variant disrupts the canonical splice donor site of intron 1 and alters splicing (Felber 1982, Orkin 1981). Based on the information available, this variant is considered to be pathogenic. References: Link to HbVar database: Alhuthali HM et al. Molecular patterns of alpha-thalassemia in the kingdom of Saudi Arabia: identification of prevalent genotypes and regions with high incidence. Thromb J. 2023 Nov 10;21(1):115. PMID: 37950286. Felber BK et al. Abnormal RNA splicing causes one form of alpha thalassemia. Cell. 1982 Jul;29(3):895-902. PMID: 7151175. Lacerra G et al. Sequence variations of the alpha-globin genes: scanning of high CG content genes with DHPLC and DG-DGGE. Hum Mutat. 2004 Oct;24(4):338-49. PMID: 15365991. Orkin SH et al. Mutation in an intervening sequence splice junction in man. Proc Natl Acad Sci U S A. 1981 Aug;78(8):5041-5. PMID: 6946451.

Center for Genomic Medicine, Rigshospitalet, Copenhagen University Hospital
Classification: Pathogenic. Last evaluated: 2025-03-04. Review status: criteria provided, single submitter. Criteria: ACMG Guidelines, 2015. Collection method: clinical testing. Allele origin: germline. Not counted in ClinVar's aggregate classification.

Quest Diagnostics Nichols Institute San Juan Capistrano
Classification: Pathogenic. Last evaluated: 2024-12-09. Review status: criteria provided, single submitter. Criteria: Quest Diagnostics criteria. Collection method: clinical testing. Allele origin: unknown. Not counted in ClinVar's aggregate classification.
Comment: The HBA2 c.95+2_95+6del variant (also known as c.95+2_95+6delTGAGG and IVS1 (-5nt)) disrupts a canonical splice-donor site and interferes with normal HBA2 mRNA splicing (PMIDs: 6946451 (1981), 7151175 (1982), 20507641 (2010)). This variant has been reported in the published literature in multiple individuals including homozygous and compound heterozygous cases who were affected with alpha thalassemia or related conditions (PMIDs: 6946451 (1981), 7151175 (1982), 15365991 (2004), 29115104 (2018), 32893703 (2020), 38708170 (2024)). An in vitro study showed that no functional protein was synthesized from the mutant alpha2-globin allele (PMID: 7151175 (1982)). The frequency of this variant in the general population (Genome Aggregation Database) is consistent with pathogenicity. Based on the available information, this variant is classified as pathogenic.

Blueprint Genetics
Classification: Pathogenic for HBA2-related disorders. Last evaluated: 2024-10-24. Review status: criteria provided, single submitter. Criteria: ACMG Guidelines, 2015. Collection method: clinical testing. Allele origin: germline. Affected: yes. Observed: 5 variant alleles. Not counted in ClinVar's aggregate classification.

Laboratory for Molecular Medicine, Mass General Brigham Personalized Medicine
Classification: Pathogenic for alpha Thalassemia. Last evaluated: 2024-02-10. Review status: criteria provided, single submitter. Criteria: ACMG Guidelines, 2015. Collection method: clinical testing. Allele origin: germline. Inheritance: Autosomal recessive inheritance. Not counted in ClinVar's aggregate classification.
Comment: The c.95+2_95+6del variant in HBA2 is a common pathogenic variant for alpha thalassemia in the Mediterranean region (Felber 1982 PMID: 7151175, Lacerra 2004 PMID: 15365991, Orkin 1981 PMID: 6946451, HbVar database; HbVarID:1065). This variant has been reported by other clinical laboratories in ClinVar (Variation ID 375746) and was absent from large population studies (gnomAD, v.3.1.2). This deletion affects the canonical splice site position (+2) and is predicted to cause altered splicing leading to an abnormal or absent protein. Biallelic loss of function of the HBA2 gene is an established disease mechanism in autosomal recessive alpha thalassemia. In summary, this variant meets criteria to be classified as pathogenic for autosomal recessive alpha thalassemia. ACMG/AMP Criteria applied: PVS1_Strong, PM3_Strong, PM2_supporting.

3billion
Classification: Pathogenic for alpha Thalassemia. Last evaluated: 2023-10-19. Review status: criteria provided, single submitter. Criteria: ACMG Guidelines, 2015. Collection method: clinical testing. Allele origin: germline. Affected: yes. Not counted in ClinVar's aggregate classification.
Comment: The variant is observed at an allele frequency greater than expected for the associated disorder in the gnomAD v2.1.1 dataset. Predicted Consequence/Location: Canonical splice site: predicted to alter splicing and result in a loss or disruption of normal protein function. Multiple pathogenic loss-of-function variants are reported downstream of the variant. The variant has been reported at least twice as pathogenic with clinical assertions and evidence for the classification (ClinVar ID: VCV000375746 /PMID: 6946451). Therefore, this variant is classified as Pathogenic according to the recommendation of ACMG/AMP guideline.

NM_000517.6(HBA2):c.95+2_95+6del

Genes: HBA2 (hemoglobin subunit alpha 2; plus strand), LOC106804612 (hemoglobin subunit alpha 2 recombination region; plus strand). Cytogenetic location: 16p13.3.
Variant type: Deletion.
Coding change: c.95+2_95+6del on transcript NM_000517.6 (MANE Select); the canonical splice donor site of the intron after coding-DNA position 95 through 6 bases into the intron after coding-DNA position 95, 5 bases deleted (TGAGG; older notation c.95+2_95+6delTGAGG).
Molecular consequence: splice donor variant.
Genome position (GRCh38, 1-based): chr16:173,009-173,013, TGAGG deleted; deleting any 5 consecutive bases within chr16:173,005-173,013 gives the same sequence; the c. name uses the placement nearest the transcript's 3' end. VCF-style (leftmost placement, unchanged base first): chr16-173004-AGAGGT-A. GRCh37 (hg19) VCF-style: chr16-223003-AGAGGT-A.
Other names: c.95+2_95+6delTGAGG (NM_000517.6, NM_000517.4, NM_000517.5); c.95+2_95+6del5 (NM_000517.4).
Identifiers: ClinVar variation 375746 (VCV000375746.33), dbSNP rs41474145, ClinGen allele CA16602268.
Genomic context (GRCh38, chr16:173,004, plus strand): 5'-TCAAGGCCGCCTGGGGTAAGGTCGGCGCGCACGCTGGCGAGTATGGTGCGGAGGCCCTGG[AGAGGT>A]GAGGCTCCCTCCCCTGCTCCGACCCGGGCTCCTCGCCCGCCCGGACCCACAGGCCACCCT-3'